The following is an entry in ClinVar:

NM_152419.3(HGSNAT):c.1334T>C (p.Leu445Pro)

Gene: HGSNAT (heparan-alpha-glucosaminide N-acetyltransferase; plus strand). Cytogenetic location: 8p11.21.
Variant type: single nucleotide variant.
Coding change: c.1334T>C on transcript NM_152419.3 (MANE Select); coding-DNA position 1334, T replaced by C.
Protein change: p.Leu445Pro; replaces leucine 445 with proline.
Molecular consequence: missense variant.
Genome position (GRCh38, 1-based): chr8:43,192,387, T>C. VCF-style: chr8-43192387-T-C. GRCh37 (hg19) VCF-style: chr8-43047530-T-C.
Other names: c.1334T>C, p.Leu445Pro (NM_001363227.2); c.1142T>C, p.Leu381Pro (NM_001363228.2); c.470T>C, p.Leu157Pro (NM_001363229.2); short protein forms L157P, L381P, L445P.
Identifiers: ClinVar variation 4816860 (VCV004816860.1).

ClinVar aggregate classification (germline): Likely pathogenic (1 of 4 stars; one submission).

Conditions:
Mucopolysaccharidosis, MPS-III-C (MPS3C). Also called: MPS IIIC (Sanfilippo Syndrome Type C); SANFILIPPO SYNDROME C; MPS III C; Mucopolysaccharidosis type IIIC (Sanfilippo C); MUCOPOLYSACCHARIDOSIS, TYPE IIIC; mucopolysaccharidosis type 3C. Identifiers: Orphanet 581, Orphanet 79271, MedGen C0086649, MONDO:0009657, OMIM 252930.

Submission:

Natera, Inc.
Classification: Likely pathogenic for Mucopolysaccharidosis type IIIC. Last evaluated: 2024-03-06. Review status: criteria provided, single submitter. Criteria: Natera Variant Classification Schema (03/2026). Collection method: clinical testing. Allele origin: germline.
Comment: The c.1334T>C variant in HGSNAT is a missense variant predicted to cause substitution of leucine to proline at amino acid 445. This variant is rare in the general population with a frequency below the threshold expected for the associated phenotype(s). This variant has been observed in one or more individuals affected with the associated recessive disease, as either homozygous or compound heterozygous with a second variant (PMID: 20825431). Functional studies show that this variant may disrupt protein function (PMID: 20825431). Computational prediction algorithms indicate this variant is likely to affect gene or protein function. Given the available evidence, this variant is classified as Likely Pathogenic.

Literature cited by the submitters: PubMed 20825431.